The following is an entry in ClinVar:

ClinVar aggregate classification (germline): Uncertain significance. Review status: criteria provided, multiple submitters, no conflicts (2 of 4 stars). 2 submissions from 2 submitters: Uncertain significance (2). Last evaluated 2024-05-01.

Allele frequency attached by ClinVar (database versions not stated): TOPMed 0.00002; gnomAD 0.00003.
gnomAD v4.1: 14 of 1,613,702 alleles (0.00087%); highest among the groups gnomAD compares: African/African-American, 0.008%; no homozygotes.

Submissions (2):

CeGaT Center for Human Genetics Tuebingen
Classification: Uncertain significance. Last evaluated: 2024-05-01. Review status: criteria provided, single submitter. Criteria: CeGaT Center For Human Genetics Tuebingen Variant Classification Criteria Version 2. Collection method: clinical testing. Allele origin: germline. Affected: yes. Observed: 1 variant allele.
Comment: SETD5: PP3

Centre of Medical Genetics, University Hospital Muenster
Classification: Uncertain significance. Last evaluated: 2022-11-30. Review status: criteria provided, single submitter. Criteria: ACMG Guidelines, 2015. Collection method: clinical testing. Allele origin: unknown. Affected: yes. Observed: 1 variant allele, 1 heterozygote.
Comment: ACMG categories: PM2

NM_001080517.3(SETD5):c.2851G>A (p.Gly951Arg)

Gene: SETD5 (SET domain containing 5; plus strand). Cytogenetic location: 3p25.3.
Variant type: single nucleotide variant.
Coding change: c.2851G>A on transcript NM_001080517.3 (MANE Select); coding-DNA position 2851, G replaced by A.
Protein change: p.Gly951Arg; replaces glycine 951 with arginine.
Molecular consequence: missense variant.
Genome position (GRCh38, 1-based): chr3:9,470,585, G>A. VCF-style: chr3-9470585-G-A. GRCh37 (hg19) VCF-style: chr3-9512269-G-A.
Other names: c.2557G>A, p.Gly853Arg (NM_001292043.2, NM_001349451.2); short protein forms G853R, G951R.
Identifiers: ClinVar variation 2430324 (VCV002430324.21), dbSNP rs774946617, ClinGen allele CA2239568.